The following is an entry in ClinVar:

NM_001845.6(COL4A1):c.4946C>G (p.Thr1649Ser)

Gene: COL4A1 (collagen type IV alpha 1 chain; minus strand). Cytogenetic location: 13q34.
Variant type: single nucleotide variant.
Coding change: c.4946C>G on transcript NM_001845.6 (MANE Select); coding-DNA position 4946, C replaced by G.
Protein change: p.Thr1649Ser; replaces threonine 1649 with serine.
Molecular consequence: missense variant.
Genome position (GRCh38, 1-based): chr13:110,150,427, G>C on the plus strand (C>G on the coding strand, the complement: COL4A1 is on the minus strand). VCF-style: chr13-110150427-G-C. GRCh37 (hg19) VCF-style: chr13-110802774-G-C.
Other names: short protein forms T1649S.
Identifiers: ClinVar variation 2643935 (VCV002643935.24), dbSNP rs770871818, ClinGen allele CA388653680.

ClinVar aggregate classification (germline): Uncertain significance (1 of 4 stars; one submission).

Submission:

CeGaT Center for Human Genetics Tuebingen
Classification: Uncertain significance. Last evaluated: 2023-08-01. Review status: criteria provided, single submitter. Criteria: CeGaT Center For Human Genetics Tuebingen Variant Classification Criteria Version 2. Collection method: clinical testing. Allele origin: germline. Affected: yes. Observed: 1 variant allele.
Comment: COL4A1: PM2